The following is an entry in ClinVar:

NM_032444.4(SLX4):c.3224C>T (p.Ser1075Phe)

Gene: SLX4 (SLX4 structure-specific endonuclease subunit; minus strand). Cytogenetic location: 16p13.3.
Variant type: single nucleotide variant.
Coding change: c.3224C>T on transcript NM_032444.4 (MANE Select); coding-DNA position 3224, C replaced by T.
Protein change: p.Ser1075Phe; replaces serine 1075 with phenylalanine.
Molecular consequence: missense variant.
Genome position (GRCh38, 1-based): chr16:3,590,414, G>A on the plus strand (C>T on the coding strand, the complement: SLX4 is on the minus strand). VCF-style: chr16-3590414-G-A. GRCh37 (hg19) VCF-style: chr16-3640415-G-A.
Other names: short protein forms S1075F.
Identifiers: ClinVar variation 1525926 (VCV001525926.8), dbSNP rs147558074, ClinGen allele CA7865963.

ClinVar aggregate classification (germline): Uncertain significance (1 of 4 stars; one submission).

Conditions:
Fanconi anemia (FA). Also called: Fanconi's anemia. Identifiers: Orphanet 84, MedGen C0015625, MeSH D005199, MONDO:0019391.

gnomAD v4.1: 11 of 1,614,222 alleles (0.00068%); highest among the groups gnomAD compares: South Asian, 0.0099%; no homozygotes.

Submission:

Labcorp Genetics (formerly Invitae), Labcorp
Classification: Uncertain significance for Fanconi anemia. Last evaluated: 2021-05-04. Review status: criteria provided, single submitter. Criteria: Invitae Variant Classification Sherloc (09022015). Collection method: clinical testing. Allele origin: germline.
Comment: This variant has not been reported in the literature in individuals with SLX4-related conditions. This variant is present in population databases (rs147558074, ExAC 0.01%). This sequence change replaces serine with phenylalanine at codon 1075 of the SLX4 protein (p.Ser1075Phe). The serine residue is moderately conserved and there is a large physicochemical difference between serine and phenylalanine. Algorithms developed to predict the effect of missense changes on protein structure and function are either unavailable or do not agree on the potential impact of this missense change (SIFT: "Deleterious"; PolyPhen-2: "Probably Damaging"; Align-GVGD: "Class C0"). In summary, the available evidence is currently insufficient to determine the role of this variant in disease. Therefore, it has been classified as a Variant of Uncertain Significance.